The following is an entry in ClinVar:

ClinVar aggregate classification (germline): Uncertain significance (1 of 4 stars; one submission).

Allele frequency attached by ClinVar (database versions not stated): gnomAD exomes below 0.00001.
gnomAD v4.1: 1 of 1,587,228 alleles (0.000063%); highest among the groups gnomAD compares: Non-Finnish European, 0.000086%; no homozygotes.

Submission:

Labcorp Genetics (formerly Invitae), Labcorp
Classification: Uncertain significance. Last evaluated: 2022-07-26. Review status: criteria provided, single submitter. Criteria: Invitae Variant Classification Sherloc (09022015). Collection method: clinical testing. Allele origin: germline.
Comment: This sequence change replaces alanine, which is neutral and non-polar, with threonine, which is neutral and polar, at codon 929 of the NCKAP1 protein (p.Ala929Thr). This variant is not present in population databases (gnomAD no frequency). In summary, the available evidence is currently insufficient to determine the role of this variant in disease. Therefore, it has been classified as a Variant of Uncertain Significance. Algorithms developed to predict the effect of missense changes on protein structure and function (SIFT, PolyPhen-2, Align-GVGD) all suggest that this variant is likely to be disruptive. This variant has not been reported in the literature in individuals affected with NCKAP1-related conditions.

NM_013436.5(NCKAP1):c.2767G>A (p.Ala923Thr)

Gene: NCKAP1 (NCK associated protein 1; minus strand). Cytogenetic location: 2q32.1.
Variant type: single nucleotide variant.
Coding change: c.2767G>A on transcript NM_013436.5 (MANE Select); coding-DNA position 2767, G replaced by A.
Protein change: p.Ala923Thr; replaces alanine 923 with threonine.
Molecular consequence: missense variant.
Genome position (GRCh38, 1-based): chr2:182,935,304, C>T on the plus strand (G>A on the coding strand, the complement: NCKAP1 is on the minus strand). VCF-style: chr2-182935304-C-T. GRCh37 (hg19) VCF-style: chr2-183800032-C-T.
Other names: c.2785G>A, p.Ala929Thr (NM_205842.3); short protein forms A923T, A929T.
Identifiers: ClinVar variation 2420295 (VCV002420295.6), dbSNP rs2468551976, ClinGen allele CA349755895.
Genomic context (GRCh38, chr2:182,935,304, plus strand): 5'-TAAAAGGGATTGTTTGGATACCGAGTATATACTTGTAATGGTTTCTTACATCTCTAAGTG[C>T]TTCTTGTGCCAATGATCGGAAGGATAAAATTACACCAATTATTGTCATCCTCTTCAAGAC-3'
Protein context (NP_038464.1, residues 913-933): ILSFRSLAQE[Ala923Thr]LRDVLSYHIP